The following is an entry in ClinVar:

ClinVar aggregate classification (germline): Uncertain significance (1 of 4 stars; one submission).

Submission:

Ambry Genetics
Classification: Uncertain significance. Last evaluated: 2026-04-20. Review status: criteria provided, single submitter. Criteria: Ambry Variant Classification Scheme 2023. Collection method: clinical testing. Allele origin: germline.
Comment: The c.76C>T (p.R26C) alteration is located in exon 1 (coding exon 1) of the UBTFL1 gene. This alteration results from a C to T substitution at nucleotide position 76, causing the arginine (R) at amino acid position 26 to be replaced by a cysteine (C). Based on data from gnomAD, the T allele has an overall frequency of 0.001% (2/235260) total alleles studied. The highest observed frequency was 0.007% (2/29620) of South Asian alleles. Based on insufficient or conflicting evidence, the clinical significance of this alteration remains unclear.

NM_001143975.1(UBTFL1):c.76C>T (p.Arg26Cys)

Gene: UBTFL1 (upstream binding transcription factor like 1; plus strand). Cytogenetic location: 11q14.3.
Variant type: single nucleotide variant.
Coding change: c.76C>T on transcript NM_001143975.1 (MANE Select); coding-DNA position 76, C replaced by T.
Protein change: p.Arg26Cys; replaces arginine 26 with cysteine.
Molecular consequence: missense variant.
Genome position (GRCh38, 1-based): chr11:90,086,025, C>T. VCF-style: chr11-90086025-C-T. GRCh37 (hg19) VCF-style: chr11-89819193-C-T.
Other names: short protein forms R26C.
Identifiers: ClinVar variation 4866313 (VCV004866313.1).